The following is an entry in ClinVar:

ClinVar aggregate classification (germline): Pathogenic (1 of 4 stars; one submission).

Conditions:
Spastic paraplegia. Identifiers: MedGen C0037772, HP:0001258.

Submission:

Labcorp Genetics (formerly Invitae), Labcorp
Classification: Pathogenic for Spastic paraplegia. Last evaluated: 2018-12-18. Review status: criteria provided, single submitter. Criteria: Invitae Variant Classification Sherloc (09022015). Collection method: clinical testing. Allele origin: germline.
Comment: For these reasons, this variant has been classified as Pathogenic. Loss-of-function variants in AP4S1 are known to be pathogenic (PMID: 21620353, 25552650, 27444738). This variant has not been reported in the literature in individuals with AP4S1-related conditions. This variant is a gross deletion of the genomic region encompassing exons 2-4 of the AP4S1 gene, which includes the initiator codon. The 5' end of this event is unknown as it extends beyond the assayed region for this gene and therefore may encompass additional genes. The 3' boundary is likely confined to intron 4 of the AP4S1 gene. This is expected to result in an absent or disrupted protein product.

Literature cited by the submitters: PubMed 21620353; PubMed 25552650; PubMed 27444738.

NC_000014.9:g.(?_31066187)_(31072983_?)del

Gene: AP4S1 (adaptor related protein complex 4 subunit sigma 1; plus strand). Cytogenetic location: 14q12.
Variant type: Deletion.
Identifiers: ClinVar variation 645361 (VCV000645361.5).